The following continues an entry in ClinVar:

NM_000218.3(KCNQ1):c.797T>C (p.Leu266Pro)

Gene: KCNQ1. ClinVar aggregate classification (germline): Pathogenic/Likely pathogenic. Pathogenic (13); Likely pathogenic (3).

Submissions 8 to 17 of 17:

ARUP Laboratories, Molecular Genetics and Genomics, ARUP Laboratories
Classification: Pathogenic. Last evaluated: 2023-08-08. Review status: criteria provided, single submitter. Criteria: ARUP Molecular Germline Variant Investigation Process 2024. Collection method: clinical testing. Allele origin: germline.
Comment: The KCNQ1 c.797T>C; p.Leu266Pro variant (rs199473460) is reported in multiple individuals and families with long QT syndrome (Cann 2017, Giudicessi 2012, Moss 2007, Splawski 2000, Zareba 2003), and functional studies show this variant has as effect on channel function (Jons 2011). This variant is also reported in ClinVar (Variation ID: 53108). It is absent from the Genome Aggregation Database, indicating it is not a common polymorphism. Computational analyses predict that this variant is deleterious (REVEL: 0.941). Based on available information, this variant is considered to be pathogenic. References: Cann F et al. Phenotype-driven molecular autopsy for sudden cardiac death. Clin Genet. 2017 Jan;91(1):22-29. PMID: 27000522. Giudicessi JR et al. Phylogenetic and physicochemical analyses enhance the classification of rare nonsynonymous single nucleotide variants in type 1 and 2 long-QT syndrome. Circ Cardiovasc Genet. 2012 Oct 1;5(5):519-28. PMID: 22949429. Jons C et al. Use of mutant-specific ion channel characteristics for risk stratification of long QT syndrome patients. Sci Transl Med. 2011 Mar 30;3(76):76ra28. PMID: 21451124. Moss AJ et al. Clinical aspects of type-1 long-QT syndrome by location, coding type, and biophysical function of mutations involving the KCNQ1 gene. Circulation. 2007 May 15;115(19):2481-9. PMID: 17470695. Splawski I et al. Spectrum of mutations in long-QT syndrome genes. KVLQT1, HERG, SCN5A, KCNE1, and KCNE2. Circulation. 2000 Sep 5;102(10):1178-85. PMID: 10973849. Zareba W et al. Location of mutation in the KCNQ1 and phenotypic presentation of long QT syndrome. J Cardiovasc Electrophysiol. 2003 Nov;14(11):1149-53. PMID: 14678125.

Women's Health and Genetics/Laboratory Corporation of America, LabCorp
Classification: Pathogenic for Long QT syndrome. Last evaluated: 2023-07-24. Review status: criteria provided, single submitter. Criteria: LabCorp Variant Classification Summary - May 2015. Collection method: clinical testing. Allele origin: germline.
Comment: Variant summary: KCNQ1 c.797T>C (p.Leu266Pro) results in a non-conservative amino acid change located in the Ion transport domain (IPR005821) of the encoded protein sequence. Five of five in-silico tools predict a damaging effect of the variant on protein function. The variant was absent in 253780 control chromosomes. c.797T>C has been reported in the literature in multiple individuals affected with Long QT Syndrome (Example: Adler_2016, Chung_2007, Kapa_2009, Spawski_2000) . These data indicate that the variant is very likely to be associated with disease. At least one publication reports experimental evidence evaluating an impact on protein function demonstrating an effect on channel function (Jons_2011). The following publications have been ascertained in the context of this evaluation (PMID: 26743238, 17905336, 21451124, 19841300, 10973849). Seven submitters have cited clinical-significance assessments for this variant to ClinVar after 2014. All submitters classified the variant as pathogenic/likely pathogenic citing overlapping evidence utilized in the context of this evaluation. Based on the evidence outlined above, the variant was classified as pathogenic.

Victorian Clinical Genetics Services, Murdoch Childrens Research Institute
Classification: Pathogenic for Long QT syndrome 1. Last evaluated: 2023-07-17. Review status: criteria provided, single submitter. Criteria: ACMG Guidelines, 2015. Collection method: clinical testing. Allele origin: germline. Inheritance: Autosomal dominant inheritance. Affected: yes.
Comment: Based on the classification scheme VCGS_Germline_v1.3.4, this variant is classified as Pathogenic. Following criteria are met: 0103 - Dominant negative, loss of function and gain of function are known mechanisms of disease in this gene. Gain of function variants result exclusively in short QT syndrome (MIM#609621), while dominant negative and loss of function variants can cause long QT syndrome (LQTS, MIM#192500), atrial fibrillation (MIM#607554) and Jervell and Lange-Nielsen syndrome (JLNS, MIM#220400) (OMIM, PMIDs: 19632626, 28438721). (I) 0108 - This gene is known to be associated with both recessive and dominant disease. JLNS is characterized by congenital, bilateral deafness and variable degrees of QT prolongation, and is the only condition caused by biallelic variants (PMID: 28438721). (I) 0112 - The condition associated with this gene has incomplete penetrance (OMIM, PMID: 20301308). (I) 0200 - Variant is predicted to result in a missense amino acid change from leucine to proline. (I) 0251 - This variant is heterozygous. (I) 0301 - Variant is absent from gnomAD (both v2 and v3). (SP) 0309 - An alternative amino acid change at the same position has been observed in gnomAD (v2 and v3) (1 heterozygote, 0 homozygotes). (I) 0501 - Missense variant consistently predicted to be damaging by multiple in silico tools or highly conserved with a major amino acid change. (SP) 0600 - Variant is located in the annotated S5 of the Ion transport domain (PFam domains, PMID: 19716085). (I) 0801 - This variant has strong previous evidence of pathogenicity in unrelated individuals. This variant has been reported as one of the most common causative variants for long QT syndrome (LQTS) (ClinVar, PMID: 10973849, PMID: 19716085). (SP) 1208 - Inheritance information for this variant is not currently available in this individual. (I) Legend: (SP) - Supporting pathogenic, (I) - Information, (SB) - Supporting benign

GeneDx
Classification: Pathogenic. Last evaluated: 2022-06-23. Review status: criteria provided, single submitter. Criteria: GeneDx Variant Classification Process June 2021. Collection method: clinical testing. Allele origin: germline. Affected: yes.
Comment: Not observed at significant frequency in large population cohorts (gnomAD); Published functional studies demonstrate a damaging effect on channel function (Jons et al., 2011); In silico analysis supports that this missense variant has a deleterious effect on protein structure/function; This variant is associated with the following publications: (PMID: 14678125, 17470695, 22581653, 10973849, 15840476, 17905336, 19716085, 19841300, 21131640, 23153844, 22949429, 19817925, 21451124, 26318259, 26224781, 25192979, 26743238, 28407228, 28518168, 22456477, 21118729, 27000522, 11668638, 33087929, 34319147)

Clinical Genetics Laboratory, Skane University Hospital Lund
Classification: Pathogenic. Last evaluated: 2022-05-27. Review status: criteria provided, single submitter. Criteria: ACMG Guidelines, 2015. Collection method: clinical testing. Allele origin: germline. Affected: yes.

AiLife Diagnostics
Classification: Likely pathogenic. Last evaluated: 2021-09-30. Review status: criteria provided, single submitter. Criteria: ACMG Guidelines, 2015. Collection method: clinical testing. Allele origin: germline. Affected: yes. Observed: 1 variant allele.

Fulgent Genetics
Classification: Likely pathogenic for Beckwith-Wiedemann syndrome; Long QT syndrome 1; Jervell and Lange-Nielsen syndrome 1; Atrial fibrillation, familial, 3; Short QT syndrome type 2. Last evaluated: 2021-08-23. Review status: criteria provided, single submitter. Criteria: ACMG Guidelines, 2015. Collection method: clinical testing. Allele origin: unknown.

Gharavi Laboratory, Columbia University
Classification: Pathogenic. Last evaluated: 2018-09-16. Review status: criteria provided, single submitter. Criteria: ACMG Guidelines, 2015. Collection method: research. Allele origin: germline. Affected: yes.

Stanford Center for Inherited Cardiovascular Disease, Stanford University
Classification: Likely pathogenic. Last evaluated: 2015-04-08. Review status: criteria provided, single submitter. Criteria: ACMG Guidelines, 2015. Collection method: provider interpretation. Allele origin: germline.

Cardiovascular Biomedical Research Unit, Royal Brompton & Harefield NHS Foundation Trust
No classification provided. Condition: Familial long QT syndrome. Review status: no classification provided. Collection method: literature only. Allele origin: germline. Not counted in ClinVar's aggregate classification.
Comment: This variant has been reported as associated with Long QT syndrome in the following publications (PMID:10973849;PMID:11668638;PMID:14678125;PMID:15840476;PMID:17905336;PMID:19716085;PMID:19841300;PMID:17470695). This is a literature report, and does not necessarily reflect the clinical interpretation of the Imperial College / Royal Brompton Cardiovascular Genetics laboratory.

Literature cited by the submitters: PubMed 1467812 (cited by Labcorp Genetics (formerly Invitae), Labcorp and AiLife Diagnostics); PubMed 17470695 (cited by 6 submitters); PubMed 17905336 (cited by 6 submitters); PubMed 21118729 (cited by 5 submitters); PubMed 21451124 (cited by 6 submitters); PubMed 22949429 (cited by Labcorp Genetics (formerly Invitae), Labcorp and AiLife Diagnostics); PubMed 10973849 (cited by 7 submitters); PubMed 15840476 (cited by 4 submitters); PubMed 18004376 (cited by Ambry Genetics); PubMed 19716085 (cited by 3 submitters); PubMed 28518168 (cited by Ambry Genetics); PubMed 11668638 (cited by 3 submitters); PubMed 14678125 (cited by 3 submitters); PubMed 19841300 (cited by 4 submitters); PubMed 26743238 (cited by 3 submitters); PubMed 32893267 (cited by All of Us Research Program, National Institutes of Health and Color Diagnostics, LLC DBA Color Health); PubMed 36102233 (cited by All of Us Research Program, National Institutes of Health and Color Diagnostics, LLC DBA Color Health); PubMed 37445499 (cited by All of Us Research Program, National Institutes of Health and Color Diagnostics, LLC DBA Color Health); PubMed 19632626 (cited by Victorian Clinical Genetics Services, Murdoch Childrens Research Institute); PubMed 20301308 (cited by Victorian Clinical Genetics Services, Murdoch Childrens Research Institute); PubMed 28438721 (cited by Victorian Clinical Genetics Services, Murdoch Childrens Research Institute); PubMed 22581653 (cited by Cardiovascular Biomedical Research Unit, Royal Brompton & Harefield NHS Foundation Trust).